The following is an entry in ClinVar:

ClinVar aggregate classification (germline): Uncertain significance (1 of 4 stars; one submission).

Conditions:
Mitochondrial complex II deficiency, nuclear type 1. Also called: SUCCINATE CoQ REDUCTASE DEFICIENCY. Identifiers: Orphanet 3208, MedGen C5700310, MONDO:0100294, OMIM 252011.
Pheochromocytoma/paraganglioma syndrome 5. Also called: Paragangliomas 5; SDHA-Related Hereditary Paraganglioma-Pheochromocytoma Syndrome. Identifiers: Orphanet 29072, MedGen C3279992, MONDO:0013602, OMIM 614165.

Submission:

Labcorp Genetics (formerly Invitae), Labcorp
Classification: Uncertain significance for Pheochromocytoma/paraganglioma syndrome 5; Mitochondrial complex II deficiency, nuclear type 1. Last evaluated: 2023-12-15. Review status: criteria provided, single submitter. Criteria: Invitae Variant Classification Sherloc (09022015). Collection method: clinical testing. Allele origin: germline.
Comment: This sequence change replaces serine, which is neutral and polar, with threonine, which is neutral and polar, at codon 44 of the SDHA protein (p.Ser44Thr). This variant is not present in population databases (gnomAD no frequency). This variant has not been reported in the literature in individuals affected with SDHA-related conditions. Advanced modeling of protein sequence and biophysical properties (such as structural, functional, and spatial information, amino acid conservation, physicochemical variation, residue mobility, and thermodynamic stability) performed at Invitae indicates that this missense variant is not expected to disrupt SDHA protein function with a negative predictive value of 95%. In summary, the available evidence is currently insufficient to determine the role of this variant in disease. Therefore, it has been classified as a Variant of Uncertain Significance.

NM_004168.4(SDHA):c.130T>A (p.Ser44Thr)

Gene: SDHA (succinate dehydrogenase complex flavoprotein subunit A; plus strand). Cytogenetic location: 5p15.33.
Variant type: single nucleotide variant.
Coding change: c.130T>A on transcript NM_004168.4 (MANE Select); coding-DNA position 130, T replaced by A.
Protein change: p.Ser44Thr; replaces serine 44 with threonine.
Molecular consequence: missense variant.
Genome position (GRCh38, 1-based): chr5:223,548, T>A. VCF-style: chr5-223548-T-A. GRCh37 (hg19) VCF-style: chr5-223663-T-A.
Other names: c.130T>A, p.Ser44Thr (NM_001294332.2, NM_001330758.2); short protein forms S44T.
Identifiers: ClinVar variation 2921446 (VCV002921446.3), dbSNP rs2477280745, ClinGen allele CA359008250.